The following is an entry in ClinVar:

NM_198578.4(LRRK2):c.570A>T (p.Arg190Ser)

Gene: LRRK2 (leucine rich repeat kinase 2; plus strand). Cytogenetic location: 12q12.
Variant type: single nucleotide variant.
Coding change: c.570A>T on transcript NM_198578.4 (MANE Select); coding-DNA position 570, A replaced by T.
Protein change: p.Arg190Ser; replaces arginine 190 with serine.
Molecular consequence: missense variant.
Genome position (GRCh38, 1-based): chr12:40,238,102, A>T. VCF-style: chr12-40238102-A-T. GRCh37 (hg19) VCF-style: chr12-40631904-A-T.
Other names: short protein forms R190S.
Identifiers: ClinVar variation 1501799 (VCV001501799.6), dbSNP rs2136422298, ClinGen allele CA384404275.

ClinVar aggregate classification (germline): Uncertain significance (1 of 4 stars; one submission).

Conditions:
Autosomal dominant Parkinson disease 8. Also called: LRRK2-Related Parkinson Disease; Parkinson disease 8; Parkinson disease 8, susceptibility to. Identifiers: Orphanet 411602, MedGen C1846862, MONDO:0011764, OMIM 607060.

Submission:

Labcorp Genetics (formerly Invitae), Labcorp
Classification: Uncertain significance for Autosomal dominant Parkinson disease 8. Last evaluated: 2021-08-25. Review status: criteria provided, single submitter. Criteria: Invitae Variant Classification Sherloc (09022015). Collection method: clinical testing. Allele origin: germline.
Comment: Algorithms developed to predict the effect of sequence changes on RNA splicing suggest that this variant may disrupt the consensus splice site. In summary, the available evidence is currently insufficient to determine the role of this variant in disease. Therefore, it has been classified as a Variant of Uncertain Significance. This sequence change replaces arginine with serine at codon 190 of the LRRK2 protein (p.Arg190Ser). The arginine residue is weakly conserved and there is a moderate physicochemical difference between arginine and serine. This variant is not present in population databases (ExAC no frequency). Algorithms developed to predict the effect of missense changes on protein structure and function (SIFT, PolyPhen-2, Align-GVGD) all suggest that this variant is likely to be tolerated. This variant has not been reported in the literature in individuals affected with LRRK2-related conditions.